The following is an entry in ClinVar:

NM_005902.4(SMAD3):c.1217G>A (p.Trp406Ter)

Gene: SMAD3 (SMAD family member 3; plus strand). Cytogenetic location: 15q22.33.
Variant type: single nucleotide variant.
Coding change: c.1217G>A on transcript NM_005902.4 (MANE Select); coding-DNA position 1217, G replaced by A.
Protein change: p.Trp406Ter; replaces tryptophan 406 with a stop codon.
Molecular consequence: nonsense.
Genome position (GRCh38, 1-based): chr15:67,190,475, G>A. VCF-style: chr15-67190475-G-A. GRCh37 (hg19) VCF-style: chr15-67482813-G-A.
Other names: c.902G>A, p.Trp301Ter (NM_001145102.2); c.1085G>A, p.Trp362Ter (NM_001145103.2); c.632G>A, p.Trp211Ter (NM_001145104.2); short protein forms W301*, W211*, W406*, W362*.
Identifiers: ClinVar variation 1447563 (VCV001447563.8), dbSNP rs2140327860, ClinGen allele CA392958839.

ClinVar aggregate classification (germline): Pathogenic (1 of 4 stars; one submission).

Conditions:
Familial thoracic aortic aneurysm and aortic dissection (TAAD). Also called: Thoracic aortic aneurysms and dissections. Identifiers: Orphanet 91387, MedGen C4707243, MONDO:0019625.

Submission:

Labcorp Genetics (formerly Invitae), Labcorp
Classification: Pathogenic for Familial thoracic aortic aneurysm and aortic dissection. Last evaluated: 2020-12-25. Review status: criteria provided, single submitter. Criteria: Invitae Variant Classification Sherloc (09022015). Collection method: clinical testing. Allele origin: germline.
Comment: This sequence change creates a premature translational stop signal (p.Trp406*) in the SMAD3 gene. While this is not anticipated to result in nonsense mediated decay, it is expected to disrupt the last 20 amino acid(s) of the SMAD3 protein. This variant is not present in population databases (ExAC no frequency). This variant has been observed in individual(s) with clinical features of SMAD3-related conditions (PMID: 30661052, Invitae). This variant disrupts the p.Ser425 amino acid residue in SMAD3. Other variant(s) that disrupt this residue have been determined to be pathogenic (PMID: 23139211, Invitae). This suggests that this residue is clinically significant, and that variants that disrupt this residue are likely to be disease-causing. For these reasons, this variant has been classified as Pathogenic.

Literature cited by the submitters: PubMed 30661052; PubMed 23139211.